The following is an entry in ClinVar:

ClinVar aggregate classification (germline): Likely benign (1 of 4 stars; one submission).

Allele frequency attached by ClinVar (database versions not stated): 1000 Genomes Project 30x 0.00016; 1000 Genomes Project 0.00020; TOPMed 0.00027; gnomAD 0.00031; ExAC 0.00039.
gnomAD v4.1: 571 of 1,613,746 alleles (0.035%); highest among the groups gnomAD compares: South Asian, 0.2%; 4 homozygotes.

Submission:

CeGaT Center for Human Genetics Tuebingen
Classification: Likely benign. Last evaluated: 2023-06-01. Review status: criteria provided, single submitter. Criteria: CeGaT Center For Human Genetics Tuebingen Variant Classification Criteria Version 2. Collection method: clinical testing. Allele origin: germline. Affected: yes. Observed: 1 variant allele.
Comment: ZNF100: BP4, BP7

NM_173531.4(ZNF100):c.78G>T (p.Val26=)

Gene: ZNF100 (zinc finger protein 100; minus strand). Cytogenetic location: 19p12.
Variant type: single nucleotide variant.
Coding change: c.78G>T on transcript NM_173531.4 (MANE Select); coding-DNA position 78, G replaced by T.
Protein change: p.Val26=; no amino-acid change (valine 26 retained).
Molecular consequence: synonymous variant. On other transcripts: 5 prime UTR variant (2).
Genome position (GRCh38, 1-based): chr19:21,765,712, C>A on the plus strand (G>T on the coding strand, the complement: ZNF100 is on the minus strand). VCF-style: chr19-21765712-C-A. GRCh37 (hg19) VCF-style: chr19-21948514-C-A.
Other names: c.78G>T, p.Val26= (NM_001351669.2, NM_001351670.2); c.-99G>T (NM_001351671.2); c.-342G>T (NM_001351672.2).
Identifiers: ClinVar variation 2649632 (VCV002649632.24), dbSNP rs530281593, ClinGen allele CA9340770.